The following is an entry in ClinVar:

ClinVar aggregate classification (germline): Uncertain significance (1 of 4 stars; one submission).

gnomAD v4.1: 281 of 1,613,262 alleles (0.017%); highest among the groups gnomAD compares: Admixed American, 0.067%; no homozygotes.

Submission:

Labcorp Genetics (formerly Invitae), Labcorp
Classification: Uncertain significance. Last evaluated: 2025-10-06. Review status: criteria provided, single submitter. Criteria: Invitae Variant Classification Sherloc (09022015). Collection method: clinical testing. Allele origin: germline.
Comment: This sequence change replaces valine, which is neutral and non-polar, with isoleucine, which is neutral and non-polar, at codon 1014 of the ITGA8 protein (p.Val1014Ile). This variant is present in population databases (rs374828675, gnomAD 0.05%). This variant has not been reported in the literature in individuals affected with ITGA8-related conditions. Invitae Evidence Modeling of protein sequence and biophysical properties (such as structural, functional, and spatial information, amino acid conservation, physicochemical variation, residue mobility, and thermodynamic stability) indicates that this missense variant is not expected to disrupt ITGA8 protein function with a negative predictive value of 80%. In summary, the available evidence is currently insufficient to determine the role of this variant in disease. Therefore, it has been classified as a Variant of Uncertain Significance.

NM_003638.3(ITGA8):c.3040G>A (p.Val1014Ile)

Gene: ITGA8 (integrin subunit alpha 8; minus strand). Cytogenetic location: 10p13.
Variant type: single nucleotide variant.
Coding change: c.3040G>A on transcript NM_003638.3 (MANE Select); coding-DNA position 3040, G replaced by A.
Protein change: p.Val1014Ile; replaces valine 1014 with isoleucine.
Molecular consequence: missense variant.
Genome position (GRCh38, 1-based): chr10:15,519,355, C>T on the plus strand (G>A on the coding strand, the complement: ITGA8 is on the minus strand). VCF-style: chr10-15519355-C-T. GRCh37 (hg19) VCF-style: chr10-15561354-C-T.
Other names: c.2995G>A, p.Val999Ile (NM_001291494.2); short protein forms V1014I, V999I.
Identifiers: ClinVar variation 4743278 (VCV004743278.1).